The following is an entry in ClinVar:

NM_000057.4(BLM):c.2150G>C (p.Arg717Thr)

Gene: BLM (BLM RecQ like helicase; plus strand). Cytogenetic location: 15q26.1.
Variant type: single nucleotide variant.
Coding change: c.2150G>C on transcript NM_000057.4 (MANE Select); coding-DNA position 2150, G replaced by C.
Protein change: p.Arg717Thr; replaces arginine 717 with threonine.
Molecular consequence: missense variant.
Genome position (GRCh38, 1-based): chr15:90,765,371, G>C. VCF-style: chr15-90765371-G-C. GRCh37 (hg19) VCF-style: chr15-91308601-G-C.
Other names: c.2150G>C (LRG_20t1); c.2150G>C, p.Arg717Thr (NM_001287246.2, NM_001287247.2); c.1025G>C, p.Arg342Thr (NM_001287248.2); short protein forms R717T, R342T.
Identifiers: ClinVar variation 524799 (VCV000524799.8), dbSNP rs28406486, ClinGen allele CA274740729.

ClinVar aggregate classification (germline): Uncertain significance. Review status: criteria provided, single submitter (1 of 4 stars). 2 submissions from 2 submitters: Uncertain significance (1). 1 of the submissions does not count toward it. Last evaluated 2022-04-04.

Conditions:
Bloom syndrome (BLM). Also called: Bloom-Torre-Machacek syndrome. Identifiers: Orphanet 125, MedGen C0005859, MONDO:0008876, OMIM 210900.

Allele frequency attached by ClinVar (database versions not stated): gnomAD exomes below 0.00001.
gnomAD v4.1: 1 of 1,613,624 alleles (0.000062%); highest among the groups gnomAD compares: Non-Finnish European, 0.000085%; no homozygotes.

Submissions (2):

Labcorp Genetics (formerly Invitae), Labcorp
Classification: Uncertain significance for Bloom syndrome. Last evaluated: 2022-04-04. Review status: criteria provided, single submitter. Criteria: Invitae Variant Classification Sherloc (09022015). Collection method: clinical testing. Allele origin: germline.
Comment: This sequence change replaces arginine, which is basic and polar, with threonine, which is neutral and polar, at codon 717 of the BLM protein (p.Arg717Thr). This variant is not present in population databases (gnomAD no frequency). This variant has not been reported in the literature in individuals affected with BLM-related conditions. ClinVar contains an entry for this variant (Variation ID: 524799). Algorithms developed to predict the effect of missense changes on protein structure and function are either unavailable or do not agree on the potential impact of this missense change (SIFT: "Tolerated"; PolyPhen-2: "Probably Damaging"; Align-GVGD: "Class C0"). Experimental studies have shown that this missense change affects BLM function (PMID: 23129629, 26788541). In summary, the available evidence is currently insufficient to determine the role of this variant in disease. Therefore, it has been classified as a Variant of Uncertain Significance.

Counsyl
Classification: Uncertain significance for Bloom syndrome. Last evaluated: 2017-08-23. Review status: no assertion criteria provided. Collection method: clinical testing. Allele origin: unknown. Not counted in ClinVar's aggregate classification.

Literature cited by the submitters: PubMed 23129629 (cited by Labcorp Genetics (formerly Invitae), Labcorp and Counsyl); PubMed 26788541 (cited by Labcorp Genetics (formerly Invitae), Labcorp).